The following is an entry in ClinVar:

ClinVar aggregate classification (germline): Uncertain significance (1 of 4 stars; one submission).

Conditions:
Hereditary nonpolyposis colorectal neoplasms. Identifiers: MedGen C0009405, MeSH D003123.

Submission:

Labcorp Genetics (formerly Invitae), Labcorp
Classification: Uncertain significance for Hereditary nonpolyposis colorectal neoplasms. Last evaluated: 2023-09-21. Review status: criteria provided, single submitter. Criteria: Invitae Variant Classification Sherloc (09022015). Collection method: clinical testing. Allele origin: germline.
Comment: This variant results in a copy number gain of the genomic region encompassing exon(s) 1-8 of the PMS2 gene. This region includes the initiator codon of the gene. This copy number gain extends beyond the assayed region for this gene and therefore may encompass additional genes. As the precise location of this event is unknown, it may be in tandem or it may be located elsewhere in the genome. In summary, the available evidence is currently insufficient to determine the role of this variant in disease. Therefore, it has been classified as a Variant of Uncertain Significance. Experimental studies and prediction algorithms are not available or were not evaluated, and the functional significance of this variant is currently unknown. This variant has not been reported in the literature in individuals affected with PMS2-related conditions.

NC_000007.13:g.(?_6035155)_(6049099_?)dup

Genes: AIMP2 (aminoacyl tRNA synthetase complex interacting multifunctional protein 2; plus strand), PMS2 (PMS1 homolog 2, mismatch repair system component; minus strand). Cytogenetic location: 7p22.1.
Variant type: Duplication.
Identifiers: ClinVar variation 2423252 (VCV002423252.4).